The following is an entry in ClinVar:

NM_004456.5(EZH2):c.2000T>C (p.Met667Thr)

Gene: EZH2 (enhancer of zeste 2 polycomb repressive complex 2 subunit; minus strand). Cytogenetic location: 7q36.1.
Variant type: single nucleotide variant.
Coding change: c.2000T>C on transcript NM_004456.5 (MANE Select); coding-DNA position 2000, T replaced by C.
Protein change: p.Met667Thr; replaces methionine 667 with threonine.
Molecular consequence: missense variant.
Genome position (GRCh38, 1-based): chr7:148,810,362, A>G on the plus strand (T>C on the coding strand, the complement: EZH2 is on the minus strand). VCF-style: chr7-148810362-A-G. GRCh37 (hg19) VCF-style: chr7-148507454-A-G.
Other names: c.1985T>C, p.Met662Thr (NM_001203247.2); c.1958T>C, p.Met653Thr (NM_001203248.2); c.1832T>C, p.Met611Thr (NM_001203249.2); c.1868T>C, p.Met623Thr (NM_152998.3); short protein forms M667T, M611T, M623T, M653T, M662T.
Identifiers: ClinVar variation 650242 (VCV000650242.1), dbSNP rs1584875099, ClinGen allele CA369712596.

ClinVar aggregate classification (germline): Likely pathogenic (1 of 4 stars; one submission).

Conditions:
Weaver syndrome (WVS). Also called: Weaver Smith syndrome; Overgrowth syndrome with accelerated skeletal maturation, unusual facies, and camptodactyly. Identifiers: Orphanet 3447, MedGen C0265210, MONDO:0010193, OMIM 277590.

Submission:

Labcorp Genetics (formerly Invitae), Labcorp
Classification: Likely pathogenic for Weaver syndrome. Last evaluated: 2018-10-08. Review status: criteria provided, single submitter. Criteria: Invitae Variant Classification Sherloc (09022015). Collection method: clinical testing. Allele origin: germline.
Comment: This sequence change replaces methionine with threonine at codon 667 of the EZH2 protein (p.Met667Thr). The methionine residue is moderately conserved and there is a moderate physicochemical difference between methionine and threonine. This variant is not present in population databases (ExAC no frequency). This variant has been observed to be de novo in an individual affected with clinical features of Weaver syndrome (Invitae). Algorithms developed to predict the effect of missense changes on protein structure and function are either unavailable or do not agree on the potential impact of this missense change (SIFT: "Tolerated"; PolyPhen-2: "Possibly Damaging"; Align-GVGD: "Class C0"). In summary, the currently available evidence indicates that the variant is pathogenic, but additional data are needed to prove that conclusively. Therefore, this variant has been classified as Likely Pathogenic.